The following is an entry in ClinVar:

ClinVar aggregate classification (germline): Uncertain significance (1 of 4 stars; one submission).

Conditions:
Progressive sclerosing poliodystrophy (MTDPS4A). Also called: ALPERS PROGRESSIVE INFANTILE POLIODYSTROPHY; NEURONAL DEGENERATION OF CHILDHOOD WITH LIVER DISEASE, PROGRESSIVE; Alpers Syndrome; ALPERS DIFFUSE DEGENERATION OF CEREBRAL GRAY MATTER WITH HEPATIC CIRRHOSIS; Alpers-Huttenlocher Syndrome; Mitochondrial DNA Depletion Syndrome 4A. Identifiers: Orphanet 726, MedGen C0205710, MONDO:0008758, OMIM 203700.

Submission:

Labcorp Genetics (formerly Invitae), Labcorp
Classification: Uncertain significance for Progressive sclerosing poliodystrophy. Last evaluated: 2023-04-22. Review status: criteria provided, single submitter. Criteria: Invitae Variant Classification Sherloc (09022015). Collection method: clinical testing. Allele origin: germline.
Comment: Advanced modeling of protein sequence and biophysical properties (such as structural, functional, and spatial information, amino acid conservation, physicochemical variation, residue mobility, and thermodynamic stability) has been performed at Invitae for this missense variant, however the output from this modeling did not meet the statistical confidence thresholds required to predict the impact of this variant on POLG protein function. This variant has not been reported in the literature in individuals affected with POLG-related conditions. This variant is not present in population databases (gnomAD no frequency). This sequence change replaces glutamic acid, which is acidic and polar, with glycine, which is neutral and non-polar, at codon 370 of the POLG protein (p.Glu370Gly). In summary, the available evidence is currently insufficient to determine the role of this variant in disease. Therefore, it has been classified as a Variant of Uncertain Significance.

NM_002693.3(POLG):c.1109A>G (p.Glu370Gly)

Gene: POLG (DNA polymerase gamma, catalytic subunit; minus strand). Cytogenetic location: 15q26.1.
Variant type: single nucleotide variant.
Coding change: c.1109A>G on transcript NM_002693.3 (MANE Select); coding-DNA position 1109, A replaced by G.
Protein change: p.Glu370Gly; replaces glutamic acid 370 with glycine.
Molecular consequence: missense variant.
Genome position (GRCh38, 1-based): chr15:89,328,746, T>C on the plus strand (A>G on the coding strand, the complement: POLG is on the minus strand). VCF-style: chr15-89328746-T-C. GRCh37 (hg19) VCF-style: chr15-89871977-T-C.
Other names: c.1109A>G, p.Glu370Gly (NM_001126131.2); short protein forms E370G.
Identifiers: ClinVar variation 2779920 (VCV002779920.3), dbSNP rs2509261246, ClinGen allele CA393764874.